The following is an entry in ClinVar:

ClinVar aggregate classification (germline): Uncertain significance (1 of 4 stars; one submission).

Conditions:
de Barsy syndrome. Also called: Cutis laxa-corneal clouding-oligophrenia syndrome. Identifiers: Orphanet 2962, MedGen C0268354, MONDO:0017569.
Autosomal dominant spastic paraplegia type 9. Identifiers: MedGen C1832669, MONDO:0015091.
Cutis laxa, autosomal dominant 3 (ADCL3). Identifiers: Orphanet 90348, MedGen C4225268, MONDO:0014706, OMIM 616603.

Allele frequency attached by ClinVar (database versions not stated): gnomAD exomes 0.00003 and below 0.00001; TOPMed 0.00002; ExAC 0.00003; gnomAD 0.00001.
gnomAD v4.1: 8 of 1,613,364 alleles (0.0005%); highest among the groups gnomAD compares: East Asian, 0.016%; no homozygotes.

Submission:

Labcorp Genetics (formerly Invitae), Labcorp
Classification: Uncertain significance for Autosomal dominant spastic paraplegia type 9; de Barsy syndrome; Cutis laxa, autosomal dominant 3. Last evaluated: 2025-06-16. Review status: criteria provided, single submitter. Criteria: Invitae Variant Classification Sherloc (09022015). Collection method: clinical testing. Allele origin: germline.
Comment: This sequence change falls in intron 5 of the ALDH18A1 gene. It does not directly change the encoded amino acid sequence of the ALDH18A1 protein. It affects a nucleotide within the consensus splice site. This variant is present in population databases (rs751771445, gnomAD 0.03%). This variant has not been reported in the literature in individuals affected with ALDH18A1-related conditions. ClinVar contains an entry for this variant (Variation ID: 1019662). Variants that disrupt the consensus splice site are a relatively common cause of aberrant splicing (PMID: 17576681, 9536098). Algorithms developed to predict the effect of sequence changes on RNA splicing suggest that this variant is not likely to affect RNA splicing. In summary, the available evidence is currently insufficient to determine the role of this variant in disease. Therefore, it has been classified as a Variant of Uncertain Significance.

Literature cited by the submitters: PubMed 17576681; PubMed 9536098.

NM_002860.4(ALDH18A1):c.558+6A>G

Gene: ALDH18A1 (aldehyde dehydrogenase 18 family member A1; minus strand). Cytogenetic location: 10q24.1.
Variant type: single nucleotide variant.
Coding change: c.558+6A>G on transcript NM_002860.4 (MANE Select); 6 bases into the intron after coding-DNA position 558, A replaced by G.
Molecular consequence: intron variant.
Genome position (GRCh38, 1-based): chr10:95,637,087, T>C on the plus strand (A>G on the coding strand, the complement: ALDH18A1 is on the minus strand). VCF-style: chr10-95637087-T-C. GRCh37 (hg19) VCF-style: chr10-97396844-T-C.
Other names: c.558+6A>G (NM_001017423.2, NM_001323415.2, NM_001323413.2 and 1 more transcripts); c.225+6A>G (NM_001323418.2, NM_001323416.2, NM_001323412.2); c.-78-3438A>G (NM_001323419.2); c.453+200A>G (NM_001323417.2).
Identifiers: ClinVar variation 1019662 (VCV001019662.9), dbSNP rs751771445, ClinGen allele CA5620585.